The following is an entry in ClinVar:

ClinVar aggregate classification (germline): Uncertain significance (1 of 4 stars; one submission).

Submission:

CeGaT Center for Human Genetics Tuebingen
Classification: Uncertain significance. Last evaluated: 2022-07-01. Review status: criteria provided, single submitter. Criteria: CeGaT Center For Human Genetics Tuebingen Variant Classification Criteria Version 2. Collection method: clinical testing. Allele origin: germline. Affected: yes. Observed: 1 variant allele.
Comment: SYT1: PM2

NM_005639.3(SYT1):c.84del (p.Glu28fs)

Gene: SYT1 (synaptotagmin 1; plus strand). Cytogenetic location: 12q21.2.
Variant type: Deletion.
Coding change: c.84del on transcript NM_005639.3 (MANE Select); coding-DNA position 84, one base deleted (G; older notation c.84delG).
Protein change: p.Glu28fs; shifts the reading frame from glutamic acid 28.
Molecular consequence: frameshift variant.
Genome position (GRCh38, 1-based): chr12:79,217,603, G deleted. VCF-style (leftmost placement, unchanged base first): chr12-79217602-AG-A. GRCh37 (hg19) VCF-style: chr12-79611382-AG-A.
Other names: c.84del, p.Glu28fs (NM_001135805.2, NM_001135806.2, NM_001291901.2 and 6 more transcripts); short protein forms E28fs.
Identifiers: ClinVar variation 2643185 (VCV002643185.24), dbSNP rs2547613635, ClinGen allele CA2695199122.